The following is an entry in ClinVar:

ClinVar aggregate classification (germline): Uncertain significance (1 of 4 stars; one submission).

Conditions:
Charcot-Marie-Tooth disease type 2. Also called: Charcot-Marie-Tooth type 2. Identifiers: Orphanet 64746, MedGen C0270914, MONDO:0018993.

Allele frequency attached by ClinVar (database versions not stated): gnomAD exomes below 0.00001.
gnomAD v4.1: 1 of 1,614,198 alleles (0.000062%); highest among the groups gnomAD compares: Non-Finnish European, 0.000085%; no homozygotes.

Submission:

Labcorp Genetics (formerly Invitae), Labcorp
Classification: Uncertain significance for Charcot-Marie-Tooth disease type 2. Last evaluated: 2024-03-18. Review status: criteria provided, single submitter. Criteria: Invitae Variant Classification Sherloc (09022015). Collection method: clinical testing. Allele origin: germline.
Comment: This sequence change replaces leucine, which is neutral and non-polar, with glutamine, which is neutral and polar, at codon 298 of the AARS protein (p.Leu298Gln). This variant is not present in population databases (gnomAD no frequency). This missense change has been observed in individual(s) with autosomal recessive epileptic encephalopathy (PMID: 33294374). In at least one individual the data is consistent with being in trans (on the opposite chromosome) from a pathogenic variant. Advanced modeling of protein sequence and biophysical properties (such as structural, functional, and spatial information, amino acid conservation, physicochemical variation, residue mobility, and thermodynamic stability) has been performed at Invitae for this missense variant, however the output from this modeling did not meet the statistical confidence thresholds required to predict the impact of this variant on AARS protein function. In summary, the available evidence is currently insufficient to determine the role of this variant in disease. Therefore, it has been classified as a Variant of Uncertain Significance.

Literature cited by the submitters: PubMed 33294374.

NM_001605.3(AARS1):c.893T>A (p.Leu298Gln)

Gene: AARS1 (alanyl-tRNA synthetase 1; minus strand). Cytogenetic location: 16q22.1.
Variant type: single nucleotide variant.
Coding change: c.893T>A on transcript NM_001605.3 (MANE Select); coding-DNA position 893, T replaced by A.
Protein change: p.Leu298Gln; replaces leucine 298 with glutamine.
Molecular consequence: missense variant.
Genome position (GRCh38, 1-based): chr16:70,269,687, A>T on the plus strand (T>A on the coding strand, the complement: AARS1 is on the minus strand). VCF-style: chr16-70269687-A-T. GRCh37 (hg19) VCF-style: chr16-70303590-A-T.
Other names: short protein forms L298Q.
Identifiers: ClinVar variation 2995670 (VCV002995670.3), dbSNP rs2507016786, ClinGen allele CA396564662.
Genomic context (GRCh38, chr16:70,269,687, plus strand): 5'-GTGTTGTCAGGCCGGCCACCATCAGCCAGTGCCACAGTGATGGTCCGAGCGTGGTCAGCC[A>T]GCACCCGGTAGGCCATGTCAATCCCATCGGCATCCTCAGCACCAACTTTCCCAGTGTATG-3'
Protein context (NP_001596.2, residues 288-308): ADGIDMAYRV[Leu298Gln]ADHARTITVA